The following is an entry in ClinVar:

NM_003482.4(KMT2D):c.8594_8595insC (p.Gly2865_Glu2866insTer)

Gene: KMT2D (lysine methyltransferase 2D; minus strand). Cytogenetic location: 12q13.12.
Variant type: Insertion.
Coding change: c.8594_8595insC on transcript NM_003482.4 (MANE Select); coding-DNA positions 8594 to 8595, C inserted.
Protein change: p.Gly2865_Glu2866insTer.
Molecular consequence: frameshift variant.
Genome position: GRCh38 VCF-style: chr12-49038761-A-AG. GRCh37 (hg19) VCF-style: chr12-49432544-A-AG.
Identifiers: ClinVar variation 5042764 (VCV005042764.1).

ClinVar aggregate classification (germline): Pathogenic (1 of 4 stars; one submission).

Conditions:
Fetal anomalies with a likely genetic cause.

Submission:

Genetics Laboratory, Great Ormond Street Hospital NHS Foundation Trust, North Thames Genomic Laboratory Hub
Classification: Pathogenic for Fetal anomalies with a likely genetic cause. Last evaluated: 2026-09-15. Review status: criteria provided, single submitter. Criteria: ACGS Best Practice Guidelines for Variant Classification in Rare Disease 2024 v1.2. Collection method: clinical testing. Allele origin: germline. Affected: yes.
Comment: PM2_moderate, PVS1_very-strong